The following is an entry in ClinVar:

ClinVar aggregate classification (germline): Uncertain significance. Review status: criteria provided, multiple submitters, no conflicts (2 of 4 stars). 5 submissions from 5 submitters: Uncertain significance (5). Last evaluated 2026-07-15.

Conditions:
ALPK3-related disorder. Also called: ALPK3-related condition.
Cardiovascular phenotype. Identifiers: MedGen CN230736.

Allele frequency attached by ClinVar (database versions not stated): ExAC 0.00008; gnomAD exomes 0.00008; gnomAD 0.00013; 1000 Genomes Project 30x 0.00016; TOPMed 0.00018; 1000 Genomes Project 0.00020; ESP Exome Variant Server 0.00023.
gnomAD v4.1: 45 of 1,613,898 alleles (0.0028%); highest among the groups gnomAD compares: African/African-American, 0.043%; no homozygotes.

Submissions (5):

PreventionGenetics, part of Exact Sciences
Classification: Uncertain significance for ALPK3-related condition. Last evaluated: 2026-07-15. Review status: criteria provided, single submitter. Criteria: ACMG Guidelines, 2015. Collection method: clinical testing. Allele origin: germline.
Comment: The ALPK3 c.2192C>T variant is predicted to result in the amino acid substitution p.Ala731Val. To our knowledge, this variant has not been reported in the literature. This variant is reported in 0.082% of alleles in individuals of African descent in gnomAD. Although we suspect that this variant may be benign, at this time, the clinical significance of this variant is uncertain due to the absence of conclusive functional and genetic evidence.

Labcorp Genetics (formerly Invitae), Labcorp
Classification: Uncertain significance. Last evaluated: 2026-01-06. Review status: criteria provided, single submitter. Criteria: Invitae Variant Classification Sherloc (09022015). Collection method: clinical testing. Allele origin: germline.
Comment: This sequence change replaces alanine, which is neutral and non-polar, with valine, which is neutral and non-polar, at codon 731 of the ALPK3 protein (p.Ala731Val). This variant is present in population databases (rs202032410, gnomAD 0.08%). This variant has not been reported in the literature in individuals affected with ALPK3-related conditions. ClinVar contains an entry for this variant (Variation ID: 1201837). Invitae Evidence Modeling of protein sequence and biophysical properties (such as structural, functional, and spatial information, amino acid conservation, physicochemical variation, residue mobility, and thermodynamic stability) indicates that this missense variant is expected to disrupt ALPK3 protein function with a positive predictive value of 80%. In summary, the available evidence is currently insufficient to determine the role of this variant in disease. Therefore, it has been classified as a Variant of Uncertain Significance.

Women's Health and Genetics/Laboratory Corporation of America, LabCorp
Classification: Uncertain significance. Last evaluated: 2025-07-11. Review status: criteria provided, single submitter. Criteria: LabCorp Variant Classification Summary - May 2015. Collection method: clinical testing. Allele origin: germline.

GeneDx
Classification: Uncertain significance. Last evaluated: 2024-04-15. Review status: criteria provided, single submitter. Criteria: GeneDx Variant Classification Process June 2021. Collection method: clinical testing. Allele origin: germline. Affected: yes.
Comment: Has not been previously published as pathogenic or benign to our knowledge; In silico analysis indicates that this missense variant does not alter protein structure/function

Ambry Genetics
Classification: Uncertain significance for Cardiovascular phenotype. Last evaluated: 2023-12-26. Review status: criteria provided, single submitter. Criteria: Ambry Variant Classification Scheme 2023. Collection method: clinical testing. Allele origin: germline.
Comment: The p.A731V variant (also known as c.2192C>T), located in coding exon 5 of the ALPK3 gene, results from a C to T substitution at nucleotide position 2192. The alanine at codon 731 is replaced by valine, an amino acid with similar properties. This amino acid position is highly conserved in available vertebrate species. In addition, this alteration is predicted to be tolerated by in silico analysis. Since supporting evidence is limited at this time, the clinical significance of this alteration remains unclear.

NM_020778.5(ALPK3):c.1586C>T (p.Ala529Val)

Genes: ALPK3 (alpha kinase 3; plus strand), LOC111718493 (skeletal muscle cis-regulatory module overlapping ALPK3; plus strand). Cytogenetic location: 15q25.3.
Variant type: single nucleotide variant.
Coding change: c.1586C>T on transcript NM_020778.5 (MANE Select); coding-DNA position 1586, C replaced by T.
Protein change: p.Ala529Val; replaces alanine 529 with valine.
Molecular consequence: missense variant.
Genome position (GRCh38, 1-based): chr15:84,840,865, C>T. VCF-style: chr15-84840865-C-T. GRCh37 (hg19) VCF-style: chr15-85384096-C-T.
Other names: short protein forms A529V.
Identifiers: ClinVar variation 1201837 (VCV001201837.15), dbSNP rs202032410, ClinGen allele CA7709223.
Genomic context (GRCh38, chr15:84,840,865, plus strand): 5'-GGGCCCAGAGCTTAGGAAAGGCCCCACCTCAGGCCTCTGTGCAGGTGCCGACGCCCCCTG[C>T]CCGGCGGAGACATGGCACCCGGGACAGCACGTTGCAGGGGCAAGCAGGCCACAGGACTCC-3'
Protein context (NP_065829.4, residues 519-539): QASVQVPTPP[Ala529Val]RRRHGTRDST